The following is an entry in ClinVar:

ClinVar aggregate classification (germline): Uncertain significance (1 of 4 stars; one submission).

Conditions:
Hereditary cancer-predisposing syndrome. Also called: Neoplastic Syndromes, Hereditary; Tumor predisposition; Hereditary Cancer Syndrome; Hereditary neoplastic syndrome. Identifiers: Orphanet 140162, MedGen C0027672, MeSH D009386, MONDO:0015356.

Submission:

Ambry Genetics
Classification: Uncertain significance for Hereditary cancer-predisposing syndrome. Last evaluated: 2026-03-02. Review status: criteria provided, single submitter. Criteria: Ambry Variant Classification Scheme 2023. Collection method: clinical testing. Allele origin: germline.
Comment: The p.M410I variant (also known as c.1230G>A), located in coding exon 4 of the MSH6 gene, results from a G to A substitution at nucleotide position 1230. The methionine at codon 410 is replaced by isoleucine, an amino acid with highly similar properties. This amino acid position is well conserved in available vertebrate species. In addition, this alteration is predicted to be deleterious by in silico analysis. Based on the available evidence, the clinical significance of this variant remains unclear.

NM_000179.3(MSH6):c.1230G>A (p.Met410Ile)

Gene: MSH6 (mutS homolog 6; plus strand). Cytogenetic location: 2p16.3.
Variant type: single nucleotide variant.
Coding change: c.1230G>A on transcript NM_000179.3 (MANE Select); coding-DNA position 1230, G replaced by A.
Protein change: p.Met410Ile; replaces methionine 410 with isoleucine.
Molecular consequence: missense variant. On other transcripts: non-coding transcript variant (4), intron variant (1).
Genome position (GRCh38, 1-based): chr2:47,799,213, G>A. VCF-style: chr2-47799213-G-A. GRCh37 (hg19) VCF-style: chr2-48026352-G-A.
Other names: c.1326G>A, p.Met442Ile (NM_001406802.1, NM_001406795.1); c.1230G>A, p.Met410Ile (NM_001406803.1, NM_001406808.1, NM_001406809.1 and 4 more transcripts); c.1152G>A, p.Met384Ile (NM_001406804.1); c.933G>A, p.Met311Ile (NM_001406805.1, NM_001406797.1, NM_001406801.1 and 10 more transcripts); c.705G>A, p.Met235Ile (NM_001406806.1, NM_001406807.1, NM_001406799.1); c.324G>A, p.Met108Ile (NM_001406811.1, NM_001406812.1, NM_001281493.2 and 6 more transcripts); c.840G>A, p.Met280Ile (NM_001281492.2); c.1236G>A, p.Met412Ile (NM_001406813.1); and 2 more; short protein forms M108I, M311I, M235I, M354I, M384I, M410I, M442I, M280I.
Identifiers: ClinVar variation 4825269 (VCV004825269.1).
Genomic context (GRCh38, chr2:47,799,213, plus strand): 5'-TTTTGATGCATCTACACTCTATGTGCCTGAGGATTTCCTCAATTCTTGTACTCCTGGGAT[G>A]AGGAAGTGGTGGCAGATTAAGTCTCAGAACTTTGATCTTGTCATCTGTTACAAGGTGGGG-3'
Protein context (NP_000170.1, residues 400-420): EDFLNSCTPG[Met410Ile]RKWWQIKSQN